The following is an entry in ClinVar:

ClinVar aggregate classification (germline): Uncertain significance. Review status: criteria provided, multiple submitters, no conflicts (2 of 4 stars). 2 submissions from 2 submitters: Uncertain significance (2). Last evaluated 2026-01-26.

Conditions:
Birt-Hogg-Dube syndrome. Also called: Birt Hogg Dubé syndrome. Identifiers: Orphanet 122, MedGen C0346010, MONDO:0800444.
Nonpapillary renal cell carcinoma. Identifiers: Orphanet 422526, MedGen CN074294, MONDO:0007763, OMIM 144700.
Familial spontaneous pneumothorax (PSP). Identifiers: Orphanet 2903, MedGen C1868193, MONDO:0008259, OMIM 173600.
17p11.2 microduplication syndrome (PTLS). Also called: CHROMOSOME 17p11.2 DUPLICATION SYNDROME; Potocki-Lupski syndrome; Duplication 17p11.2 syndrome; Potocki-Lupski syndrome (dup(17)(p11.2p11.2)). Identifiers: Orphanet 1713, MedGen C2931246, MONDO:0012574, OMIM 610883.
Colorectal cancer. Also called: Malignant Colorectal Neoplasm; Colorectal cancer, somatic. Identifiers: MedGen C0346629, MONDO:0005575, OMIM 114500.

Allele frequency attached by ClinVar (database versions not stated): gnomAD below 0.00001 and 0.00001; gnomAD exomes below 0.00001; ExAC 0.00001.
gnomAD v4.1: 3 of 1,613,784 alleles (0.00019%); highest among the groups gnomAD compares: South Asian, 0.0033%; no homozygotes.

Submissions (2):

Labcorp Genetics (formerly Invitae), Labcorp
Classification: Uncertain significance for Birt-Hogg-Dube syndrome. Last evaluated: 2026-01-26. Review status: criteria provided, single submitter. Criteria: Invitae Variant Classification Sherloc (09022015). Collection method: clinical testing. Allele origin: germline.
Comment: This sequence change replaces lysine, which is basic and polar, with arginine, which is basic and polar, at codon 347 of the FLCN protein (p.Lys347Arg). This variant is present in population databases (rs752337482, gnomAD 0.003%). This variant has not been reported in the literature in individuals affected with FLCN-related conditions. ClinVar contains an entry for this variant (Variation ID: 934313). Invitae Evidence Modeling of protein sequence and biophysical properties (such as structural, functional, and spatial information, amino acid conservation, physicochemical variation, residue mobility, and thermodynamic stability) indicates that this missense variant is not expected to disrupt FLCN protein function with a negative predictive value of 80%. In summary, the available evidence is currently insufficient to determine the role of this variant in disease. Therefore, it has been classified as a Variant of Uncertain Significance.

Fulgent Genetics
Classification: Uncertain significance for Colorectal cancer; Birt-Hogg-Dube syndrome 1; Nonpapillary renal cell carcinoma; Familial spontaneous pneumothorax; 17p11.2 microduplication syndrome. Last evaluated: 2022-02-24. Review status: criteria provided, single submitter. Criteria: ACMG Guidelines, 2015. Collection method: clinical testing. Allele origin: unknown.

NM_144997.7(FLCN):c.1040A>G (p.Lys347Arg)

Gene: FLCN (folliculin; minus strand). Cytogenetic location: 17p11.2.
Variant type: single nucleotide variant.
Coding change: c.1040A>G on transcript NM_144997.7 (MANE Select); coding-DNA position 1040, A replaced by G.
Protein change: p.Lys347Arg; replaces lysine 347 with arginine.
Molecular consequence: missense variant.
Genome position (GRCh38, 1-based): chr17:17,219,041, T>C on the plus strand (A>G on the coding strand, the complement: FLCN is on the minus strand). VCF-style: chr17-17219041-T-C. GRCh37 (hg19) VCF-style: chr17-17122355-T-C.
Other names: c.1094A>G, p.Lys365Arg (NM_001353229.2); c.1040A>G, p.Lys347Arg (NM_001353230.2, NM_001353231.2); short protein forms K365R, K347R.
Identifiers: ClinVar variation 934313 (VCV000934313.8), dbSNP rs752337482, ClinGen allele CA8416169.